The following is an entry in ClinVar:

ClinVar aggregate classification (germline): Uncertain significance. Review status: criteria provided, multiple submitters, no conflicts (2 of 4 stars). 2 submissions from 2 submitters: Uncertain significance (2). Last evaluated 2024-09-02.

Allele frequency attached by ClinVar (database versions not stated): ExAC 0.00001; gnomAD exomes 0.00001; gnomAD 0.00002.
gnomAD v4.1: 6 of 1,613,894 alleles (0.00037%); highest among the groups gnomAD compares: Admixed American, 0.005%; no homozygotes.

Submissions (2):

Labcorp Genetics (formerly Invitae), Labcorp
Classification: Uncertain significance. Last evaluated: 2024-09-02. Review status: criteria provided, single submitter. Criteria: Invitae Variant Classification Sherloc (09022015). Collection method: clinical testing. Allele origin: germline.
Comment: This sequence change replaces proline, which is neutral and non-polar, with serine, which is neutral and polar, at codon 1990 of the NIN protein (p.Pro1990Ser). The frequency data for this variant in the population databases is considered unreliable, as metrics indicate poor data quality at this position in the gnomAD database. This variant has not been reported in the literature in individuals affected with NIN-related conditions. ClinVar contains an entry for this variant (Variation ID: 2604511). An algorithm developed to predict the effect of missense changes on protein structure and function (PolyPhen-2) suggests that this variant is likely to be disruptive. In summary, the available evidence is currently insufficient to determine the role of this variant in disease. Therefore, it has been classified as a Variant of Uncertain Significance.

Ambry Genetics
Classification: Uncertain significance. Last evaluated: 2023-06-16. Review status: criteria provided, single submitter. Criteria: Ambry Variant Classification Scheme 2023. Collection method: clinical testing. Allele origin: germline.

NM_020921.4(NIN):c.5968C>T (p.Pro1990Ser)

Gene: NIN (ninein; minus strand). Cytogenetic location: 14q22.1.
Variant type: single nucleotide variant.
Coding change: c.5968C>T on transcript NM_020921.4 (MANE Select); coding-DNA position 5968, C replaced by T.
Protein change: p.Pro1990Ser; replaces proline 1990 with serine.
Molecular consequence: missense variant.
Genome position (GRCh38, 1-based): chr14:50,729,633, G>A on the plus strand (C>T on the coding strand, the complement: NIN is on the minus strand). VCF-style: chr14-50729633-G-A. GRCh37 (hg19) VCF-style: chr14-51196351-G-A.
Other names: c.3829C>T, p.Pro1277Ser (NM_016350.5); c.5968C>T, p.Pro1990Ser (NM_182944.3, NM_182946.2); short protein forms P1277S, P1990S.
Identifiers: ClinVar variation 2604511 (VCV002604511.4), dbSNP rs751960037, ClinGen allele CA7181068.